The following is an entry in ClinVar:

ClinVar aggregate classification (germline): Pathogenic. Review status: criteria provided, multiple submitters, no conflicts (2 of 4 stars). 3 submissions from 3 submitters: Pathogenic (3). Last evaluated 2021-11-07.

Conditions:
Tuberous sclerosis 1 (TSC1). Identifiers: Orphanet 805, MedGen C1854465, MONDO:0008612, OMIM 191100.

Submissions (3):

Genome-Nilou Lab
Classification: Pathogenic for Tuberous sclerosis 1. Last evaluated: 2021-11-07. Review status: criteria provided, single submitter. Criteria: ACMG Guidelines, 2015. Collection method: clinical testing. Allele origin: germline. Affected: no.

GeneDx
Classification: Pathogenic. Last evaluated: 2020-08-11. Review status: criteria provided, single submitter. Criteria: GeneDx Variant Classification Process June 2021. Collection method: clinical testing. Allele origin: germline. Affected: yes.
Comment: Nonsense variant predicted to result in protein truncation or nonsense mediated decay in a gene for which loss-of-function is a known mechanism of disease; Not observed in large population cohorts (Lek et al., 2016); This variant is associated with the following publications: (PMID: 28323123, 31850909)

Labcorp Genetics (formerly Invitae), Labcorp
Classification: Pathogenic for Tuberous sclerosis 1. Last evaluated: 2017-04-10. Review status: criteria provided, single submitter. Criteria: Invitae Variant Classification Sherloc (09022015). Collection method: clinical testing. Allele origin: germline.
Comment: For these reasons, this variant has been classified as Pathogenic. While this particular variant has not been reported in the literature, loss-of-function variants in TSC1 are known to be pathogenic (PMID: 10227394, 17304050). This sequence change creates a premature translational stop signal at codon 663 (p.Glu663*) of the TSC1 gene. It is expected to result in an absent or disrupted protein product.

Literature cited by the submitters: PubMed 10227394 (cited by Labcorp Genetics (formerly Invitae), Labcorp); PubMed 17304050 (cited by Labcorp Genetics (formerly Invitae), Labcorp).

NM_000368.5(TSC1):c.1987G>T (p.Glu663Ter)

Gene: TSC1 (TSC complex subunit 1; minus strand). Cytogenetic location: 9q34.13.
Variant type: single nucleotide variant.
Coding change: c.1987G>T on transcript NM_000368.5 (MANE Select); coding-DNA position 1987, G replaced by T.
Protein change: p.Glu663Ter; replaces glutamic acid 663 with a stop codon.
Molecular consequence: nonsense.
Genome position (GRCh38, 1-based): chr9:132,905,591, C>A on the plus strand (G>T on the coding strand, the complement: TSC1 is on the minus strand). VCF-style: chr9-132905591-C-A. GRCh37 (hg19) VCF-style: chr9-135780978-C-A.
Other names: c.1984G>T, p.Glu662Ter (NM_001162426.2); c.1834G>T, p.Glu612Ter (NM_001162427.2); c.1624G>T, p.Glu542Ter (NM_001362177.2); short protein forms E663*, E612*, E662*, E542*.
Identifiers: ClinVar variation 280309 (VCV000280309.12), dbSNP rs886041538, ClinGen allele CA10603105.
Genomic context (GRCh38, chr9:132,905,591, plus strand): 5'-CACAATAAAATGGACCATTTAACACAGAAGAGAGTGCCCCAGTCCCTTACTTGTTCAGCT[C>A]CTTGCTGTGCGCGTCTGCTCCCTGCTGTATCAGTCTGTCCAGCACTTCCATTGGGGAGGT-3'